The following is an entry in ClinVar:

NM_033026.6(PCLO):c.12871C>T (p.Pro4291Ser)

Gene: PCLO (piccolo presynaptic cytomatrix protein; minus strand). Cytogenetic location: 7q21.11.
Variant type: single nucleotide variant.
Coding change: c.12871C>T on transcript NM_033026.6 (MANE Select); coding-DNA position 12871, C replaced by T.
Protein change: p.Pro4291Ser; replaces proline 4291 with serine.
Molecular consequence: missense variant.
Genome position (GRCh38, 1-based): chr7:82,915,115, G>A on the plus strand (C>T on the coding strand, the complement: PCLO is on the minus strand). VCF-style: chr7-82915115-G-A. GRCh37 (hg19) VCF-style: chr7-82544431-G-A.
Other names: c.12871C>T, p.Pro4291Ser (NM_014510.3); short protein forms P4291S.
Identifiers: ClinVar variation 2421274 (VCV002421274.3), dbSNP rs761225212, ClinGen allele CA4319290.

ClinVar aggregate classification (germline): Uncertain significance (1 of 4 stars; one submission).

Allele frequency attached by ClinVar (database versions not stated): gnomAD exomes below 0.00001; gnomAD 0.00001; ExAC 0.00002.
gnomAD v4.1: 3 of 1,590,988 alleles (0.00019%); highest among the groups gnomAD compares: Non-Finnish European, 0.00026%; no homozygotes.

Submission:

Labcorp Genetics (formerly Invitae), Labcorp
Classification: Uncertain significance. Last evaluated: 2022-05-20. Review status: criteria provided, single submitter. Criteria: Invitae Variant Classification Sherloc (09022015). Collection method: clinical testing. Allele origin: germline.
Comment: This sequence change replaces proline, which is neutral and non-polar, with serine, which is neutral and polar, at codon 4291 of the PCLO protein (p.Pro4291Ser). This variant is present in population databases (rs761225212, gnomAD 0.002%). This variant has not been reported in the literature in individuals affected with PCLO-related conditions. Algorithms developed to predict the effect of missense changes on protein structure and function are either unavailable or do not agree on the potential impact of this missense change (SIFT: "Deleterious"; PolyPhen-2: "Not Available"; Align-GVGD: "Class C0"). In summary, the available evidence is currently insufficient to determine the role of this variant in disease. Therefore, it has been classified as a Variant of Uncertain Significance.